The following is an entry in ClinVar:

ClinVar aggregate classification (germline): Uncertain significance (1 of 4 stars; one submission).

gnomAD v4.1: 1 of 1,614,204 alleles (0.000062%); no homozygotes.

Submission:

GeneDx
Classification: Uncertain significance. Last evaluated: 2022-03-07. Review status: criteria provided, single submitter. Criteria: GeneDx Variant Classification Process June 2021. Collection method: clinical testing. Allele origin: germline. Affected: yes.
Comment: Not observed at significant frequency in large population cohorts (gnomAD); In silico analysis supports that this missense variant does not alter protein structure/function; Has not been previously published as pathogenic or benign to our knowledge

NM_024596.5(MCPH1):c.1600C>G (p.Leu534Val)

Gene: MCPH1 (microcephalin 1; plus strand). Cytogenetic location: 8p23.1.
Variant type: single nucleotide variant.
Coding change: c.1600C>G on transcript NM_024596.5 (MANE Select); coding-DNA position 1600, C replaced by G.
Protein change: p.Leu534Val; replaces leucine 534 with valine.
Molecular consequence: missense variant. On other transcripts: non-coding transcript variant (1).
Genome position (GRCh38, 1-based): chr8:6,445,322, C>G. VCF-style: chr8-6445322-C-G. GRCh37 (hg19) VCF-style: chr8-6302843-C-G.
Other names: c.1600C>G, p.Leu534Val (NM_001172574.2, NM_001322042.2, NM_001363979.1 and 3 more transcripts); c.1456C>G, p.Leu486Val (NM_001172575.2); c.1594C>G, p.Leu532Val (NM_001322043.2); c.1498C>G, p.Leu500Val (NM_001322045.2); short protein forms L486V, L500V, L532V, L534V.
Identifiers: ClinVar variation 1704950 (VCV001704950.2), dbSNP rs1206473891, ClinGen allele CA370221970.
Genomic context (GRCh38, chr8:6,445,322, plus strand): 5'-GGGAAAGAAGACGCATGCCCAGAGGGAAATGGCTTTTCTTACACCATTGAGGACCCTGCT[C>G]TTCCAAAAGGACATGATGATGATTTAACTCCTTTGGAAGGAAGCCTTGAAGAAATGAAAG-3'
Protein context (NP_078872.3, residues 524-544): GFSYTIEDPA[Leu534Val]PKGHDDDLTP